The following is an entry in ClinVar:

NM_001243133.2(NLRP3):c.1568T>G (p.Phe523Cys)

Gene: NLRP3 (NLR family pyrin domain containing 3; plus strand). Cytogenetic location: 1q44.
Variant type: single nucleotide variant.
Coding change: c.1568T>G on transcript NM_001243133.2 (MANE Select); coding-DNA position 1568, T replaced by G.
Protein change: p.Phe523Cys; replaces phenylalanine 523 with cysteine.
Molecular consequence: missense variant.
Genome position (GRCh38, 1-based): chr1:247,425,017, T>G. VCF-style: chr1-247425017-T-G. GRCh37 (hg19) VCF-style: chr1-247588319-T-G.
Other names: c.1568T>G, p.Phe523Cys (NM_001079821.3, NM_001127461.3, NM_001127462.3 and 1 more transcripts); c.1574T>G, p.Phe525Cys (NM_004895.5); short protein forms F525C, F523C.
Identifiers: ClinVar variation 97936 (VCV000097936.7), dbSNP rs180177478, ClinGen allele CA281225.

ClinVar aggregate classification (germline): Pathogenic. Review status: criteria provided, single submitter (1 of 4 stars). 2 submissions from 2 submitters: Pathogenic (1). 1 of the submissions does not count toward it. Last evaluated 2020-08-03.

Conditions:
Cryopyrin associated periodic syndrome (CAPS). Identifiers: Orphanet 208650, MedGen C2316212, MONDO:0016168.
Familial cold autoinflammatory syndrome 1 (FCAS1). Also called: Familial cold inflammatory syndrome 1; CRYOPYRIN-ASSOCIATED PERIODIC SYNDROME 1. Identifiers: Orphanet 47045, MedGen C4551895, MONDO:0007349, OMIM 120100.

Submissions (2):

Labcorp Genetics (formerly Invitae), Labcorp
Classification: Pathogenic for Cryopyrin associated periodic syndrome. Last evaluated: 2020-08-03. Review status: criteria provided, single submitter. Criteria: Invitae Variant Classification Sherloc (09022015). Collection method: clinical testing. Allele origin: germline.
Comment: For these reasons, this variant has been classified as Pathogenic. This variant disrupts the p.Phe525 amino acid residue in NLRP3. Other variant(s) that disrupt this residue have been determined to be pathogenic (PMID: 12483741). This suggests that this residue is clinically significant, and that variants that disrupt this residue are likely to be disease-causing. Algorithms developed to predict the effect of missense changes on protein structure and function (SIFT, PolyPhen-2, Align-GVGD) all suggest that this variant is likely to be disruptive, but these predictions have not been confirmed by published functional studies and their clinical significance is uncertain. This variant has been observed in individual(s) with clinical features of cryopyrin-associated periodic syndrome (CAPS) (PMID: 17284928, 24773462, 26931528, 29047407, Invitae). It has also been observed to segregate with disease in related individuals. In the literature, this gene is also known as CIAS1, and this variant is also known as F523C. ClinVar contains an entry for this variant (Variation ID: 97936). This variant is not present in population databases (ExAC no frequency). This sequence change replaces phenylalanine with cysteine at codon 525 of the NLRP3 protein (p.Phe525Cys). The phenylalanine residue is highly conserved and there is a large physicochemical difference between phenylalanine and cysteine.

Unité médicale des maladies autoinflammatoires, CHRU Montpellier
No classification provided. Condition: Familial cold urticaria. Review status: no classification provided. Collection method: not provided. Allele origin: unknown. Not counted in ClinVar's aggregate classification.
Comment: also involved in OMIM 191900 and 607115

Literature cited by the submitters: PubMed 12483741 (cited by Labcorp Genetics (formerly Invitae), Labcorp); PubMed 17284928 (cited by Labcorp Genetics (formerly Invitae), Labcorp); PubMed 24773462 (cited by Labcorp Genetics (formerly Invitae), Labcorp); PubMed 26931528 (cited by Labcorp Genetics (formerly Invitae), Labcorp); PubMed 29047407 (cited by Labcorp Genetics (formerly Invitae), Labcorp).